The following is an entry in ClinVar:

NM_001200049.3(CFAP46):c.7998T>C (p.Ser2666=)

Gene: CFAP46 (cilia and flagella associated protein 46; minus strand). Cytogenetic location: 10q26.3.
Variant type: single nucleotide variant.
Coding change: c.7998T>C on transcript NM_001200049.3 (MANE Select); coding-DNA position 7998, T replaced by C.
Protein change: p.Ser2666=; no amino-acid change (serine 2666 retained).
Molecular consequence: synonymous variant.
Genome position (GRCh38, 1-based): chr10:132,808,571, A>G on the plus strand (T>C on the coding strand, the complement: CFAP46 is on the minus strand). VCF-style: chr10-132808571-A-G. GRCh37 (hg19) VCF-style: chr10-134622075-A-G.
Identifiers: ClinVar variation 2640979 (VCV002640979.24), dbSNP rs781522715, ClinGen allele CA5756242.

ClinVar aggregate classification (germline): Likely benign (1 of 4 stars; one submission).

Allele frequency attached by ClinVar (database versions not stated): ExAC 0.00001.

Submission:

CeGaT Center for Human Genetics Tuebingen
Classification: Likely benign. Last evaluated: 2022-08-01. Review status: criteria provided, single submitter. Criteria: CeGaT Center For Human Genetics Tuebingen Variant Classification Criteria Version 2. Collection method: clinical testing. Allele origin: germline. Affected: yes. Observed: 1 variant allele.
Comment: CFAP46: BP4, BP7